The following is an entry in ClinVar:

ClinVar aggregate classification (germline): Uncertain significance (1 of 4 stars; one submission).

Conditions:
Hypertrophic cardiomyopathy. Also called: HYPERTROPHIC MYOCARDIOPATHY. Identifiers: Orphanet 217569, MedGen C0007194, MeSH D002312, MONDO:0005045, HP:0001639.

Submission:

Labcorp Genetics (formerly Invitae), Labcorp
Classification: Uncertain significance for Hypertrophic cardiomyopathy. Last evaluated: 2024-06-21. Review status: criteria provided, single submitter. Criteria: Invitae Variant Classification Sherloc (09022015). Collection method: clinical testing. Allele origin: germline.
Comment: This sequence change replaces leucine, which is neutral and non-polar, with proline, which is neutral and non-polar, at codon 950 of the MYH7 protein (p.Leu950Pro). This variant is not present in population databases (gnomAD no frequency). This variant has not been reported in the literature in individuals affected with MYH7-related conditions. Advanced modeling of protein sequence and biophysical properties (such as structural, functional, and spatial information, amino acid conservation, physicochemical variation, residue mobility, and thermodynamic stability) performed at Invitae indicates that this missense variant is expected to disrupt MYH7 protein function with a positive predictive value of 95%. In summary, the available evidence is currently insufficient to determine the role of this variant in disease. Therefore, it has been classified as a Variant of Uncertain Significance.

NM_000257.4(MYH7):c.2849T>C (p.Leu950Pro)

Gene: MYH7 (myosin heavy chain 7; minus strand). Cytogenetic location: 14q11.2.
Variant type: single nucleotide variant.
Coding change: c.2849T>C on transcript NM_000257.4 (MANE Select); coding-DNA position 2849, T replaced by C.
Protein change: p.Leu950Pro; replaces leucine 950 with proline.
Molecular consequence: missense variant.
Genome position (GRCh38, 1-based): chr14:23,423,980, A>G on the plus strand (T>C on the coding strand, the complement: MYH7 is on the minus strand). VCF-style: chr14-23423980-A-G. GRCh37 (hg19) VCF-style: chr14-23893189-A-G.
Other names: c.2849T>C, p.Leu950Pro (NM_001407004.1); short protein forms L950P.
Identifiers: ClinVar variation 3636027 (VCV003636027.2).
Genomic context (GRCh38, chr14:23,423,980, plus strand): 5'-GCGTGTTTCTCCTTCTCCACTTTGGCCAGTGTCAGCTCCAGATCATCGATGTCCCTTTTG[A>G]GCTCTGAGCACTCATCTTCCAGCTTGCGCTTCTTGGCAGTGAGCTCAGCATTCATCTCCT-3'
Protein context (NP_000248.2, residues 940-960): KRKLEDECSE[Leu950Pro]KRDIDDLELT